The following is an entry in ClinVar:

ClinVar aggregate classification (germline): Uncertain significance (1 of 4 stars; one submission).

Conditions:
X-linked Opitz G/BBB syndrome (GBBB). Also called: Opitz-Frias syndrome; MID1-Related Opitz G/BBB Syndrome; OPITZ BBBG SYNDROME, TYPE I; OPITZ SYNDROME, X-LINKED; OPITZ-G SYNDROME, TYPE I. Identifiers: Orphanet 2745, MedGen C2936904, MONDO:0010222, OMIM 300000.

gnomAD v4.1: 2 of 1,211,843 alleles (0.00017%); highest among the groups gnomAD compares: Non-Finnish European, 0.00022%; no homozygotes.

Submission:

Myriad Genetics, Inc.
Classification: Uncertain significance for X-linked Opitz G/BBB syndrome. Last evaluated: 2026-02-18. Review status: criteria provided, single submitter. Criteria: Myriad Autosomal Dominant, Autosomal Recessive and X-Linked Classification Criteria (2023). Collection method: clinical testing. Allele origin: unknown.
Comment: NM_000381.3(MID1):c.1859C>T(A620V) is a missense variant classified as a variant of uncertain significance in the context of Opitz G/BBB syndrome, MID1-related. A620V has been observed in a case with relevant disease (PMID: 17003840). Relevant functional assessments of this variant are not available in the literature. A620V has been observed in referenced population frequency databases. In summary, there is insufficient evidence to classify NM_000381.3(MID1):c.1859C>T(A620V) as pathogenic or benign. Please note: this variant was assessed in the context of healthy population screening.

Literature cited by the submitters: PubMed 17003840.

NM_000381.4(MID1):c.1859C>T (p.Ala620Val)

Genes: MID1 (midline 1; minus strand), LOC126863207 (BRD4-independent group 4 enhancer GRCh37_chrX:10416979-10418178; plus strand). Cytogenetic location: Xp22.2.
Variant type: single nucleotide variant.
Coding change: c.1859C>T on transcript NM_000381.4 (MANE Select); coding-DNA position 1859, C replaced by T.
Protein change: p.Ala620Val; replaces alanine 620 with valine.
Molecular consequence: missense variant.
Genome position (GRCh38, 1-based): chrX:10,449,513, G>A on the plus strand (C>T on the coding strand, the complement: MID1 is on the minus strand). VCF-style: chrX-10449513-G-A. GRCh37 (hg19) VCF-style: chrX-10417553-G-A.
Other names: c.1859C>T, p.Ala620Val (NM_001098624.2, NM_001193277.1, NM_001347733.2 and 1 more transcripts); c.1745C>T, p.Ala582Val (NM_033289.2); short protein forms A582V, A620V.
Identifiers: ClinVar variation 5004416 (VCV005004416.1).